The following is an entry in ClinVar:

ClinVar aggregate classification (germline): Likely pathogenic (1 of 4 stars; one submission).

Conditions:
Familial thoracic aortic aneurysm and aortic dissection (TAAD). Also called: Thoracic aortic aneurysms and dissections. Identifiers: Orphanet 91387, MedGen C4707243, MONDO:0019625.

Submission:

Ambry Genetics
Classification: Likely pathogenic for Familial thoracic aortic aneurysm and aortic dissection. Last evaluated: 2025-08-20. Review status: criteria provided, single submitter. Criteria: Ambry Variant Classification Scheme 2023. Collection method: clinical testing. Allele origin: germline.
Comment: The c.2121+1_2121+4delGTAAinsCT intronic variant begins 1 nucleotide after coding exon 30 of the COL3A1 gene. This variant results from a deletion of 4 nucleotides and the insertion of two nucleotides at nucleotide positions c.2121+1 to c.2121+4. In silico splice site analysis predicts that this alteration will weaken the native splice donor site and may result in the creation or strengthening of a novel splice donor site; however, the exact impact of this alteration on COL3A1 splicing and function is currently unknown. This variant is considered to be rare based on population cohorts in the Genome Aggregation Database (gnomAD). Alterations that disrupt the canonical splice site are expected to cause aberrant splicing, resulting in an abnormal protein or a transcript that is subject to nonsense-mediated mRNA decay. As such, this alteration is classified as likely pathogenic.

NM_000090.4(COL3A1):c.2121+1_2121+4delinsCT

Gene: COL3A1 (collagen type III alpha 1 chain; plus strand). Cytogenetic location: 2q32.2.
Variant type: Indel.
Coding change: c.2121+1_2121+4delinsCT on transcript NM_000090.4 (MANE Select); the canonical splice donor site of the intron after coding-DNA position 2121 through 4 bases into the intron after coding-DNA position 2121, GTAA replaced by CT.
Molecular consequence: splice donor variant.
Genome position (GRCh38, 1-based): chr2:188,999,384-188,999,387, GTAA replaced by CT. VCF-style: chr2-188999384-GTAA-CT. GRCh37 (hg19) VCF-style: chr2-189864110-GTAA-CT.
Identifiers: ClinVar variation 4232244 (VCV004232244.1).